The following is an entry in ClinVar:

ClinVar aggregate classification (germline): Conflicting classifications of pathogenicity. Review status: criteria provided, conflicting classifications (1 of 4 stars). 2 submissions from 2 submitters: Uncertain significance (1); Likely benign (1). Last evaluated 2025-10-04.

Conditions:
Lethal left ventricular non-compaction-seizures-hypotonia-cataract-developmental delay syndrome. Also called: Combined oxidative phosphorylation deficiency 31. Identifiers: Orphanet 478049, MedGen C4310661, MONDO:0014976, OMIM 617228.

Allele frequency attached by ClinVar (database versions not stated): gnomAD 0.00001; TOPMed 0.00015.
gnomAD v4.1: 77 of 1,611,932 alleles (0.0048%); highest among the groups gnomAD compares: Admixed American, 0.13%; no homozygotes.

Submissions (2):

Labcorp Genetics (formerly Invitae), Labcorp
Classification: Likely benign. Last evaluated: 2025-10-04. Review status: criteria provided, single submitter. Criteria: Invitae Variant Classification Sherloc (09022015). Collection method: clinical testing. Allele origin: germline.

Baylor Genetics
Classification: Uncertain significance for Lethal left ventricular non-compaction-seizures-hypotonia-cataract-developmental delay syndrome. Last evaluated: 2018-09-05. Review status: criteria provided, single submitter. Criteria: ACMG Guidelines, 2015. Collection method: clinical testing. Allele origin: unknown. Affected: yes.
Comment: This variant was determined to be of uncertain significance according to ACMG Guidelines, 2015 [PMID:25741868].

NM_005932.4(MIPEP):c.1354A>C (p.Ile452Leu)

Gene: MIPEP (mitochondrial intermediate peptidase; minus strand). Cytogenetic location: 13q12.12.
Variant type: single nucleotide variant.
Coding change: c.1354A>C on transcript NM_005932.4 (MANE Select); coding-DNA position 1354, A replaced by C.
Protein change: p.Ile452Leu; replaces isoleucine 452 with leucine.
Molecular consequence: missense variant.
Genome position (GRCh38, 1-based): chr13:23,837,741, T>G on the plus strand (A>C on the coding strand, the complement: MIPEP is on the minus strand). VCF-style: chr13-23837741-T-G. GRCh37 (hg19) VCF-style: chr13-24411880-T-G.
Other names: short protein forms I452L.
Identifiers: ClinVar variation 1033047 (VCV001033047.4), dbSNP rs756060769, ClinGen allele CA6913007.